The following is an entry in ClinVar:

ClinVar aggregate classification (germline): Uncertain significance (1 of 4 stars; one submission).

Conditions:
Short-rib thoracic dysplasia 6 with or without polydactyly (SRTD6). Also called: SHORT RIB-POLYDACTYLY SYNDROME, TYPE IIA; SHORT-RIB THORACIC DYSPLASIA 6 WITH POLYDACTYLY; SHORT-RIB THORACIC DYSPLASIA 6 WITHOUT POLYDACTYLY; POLYDACTYLY WITH NEONATAL CHONDRODYSTROPHY, TYPE II; Majewski Syndrome. Identifiers: MedGen C0024507, MONDO:0009894, OMIM 263520.

Allele frequency attached by ClinVar (database versions not stated): ExAC 0.00002; gnomAD 0.00003.
gnomAD v4.1: 18 of 1,611,480 alleles (0.0011%); highest among the groups gnomAD compares: Admixed American, 0.015%; no homozygotes.

Submission:

Labcorp Genetics (formerly Invitae), Labcorp
Classification: Uncertain significance for Short-rib thoracic dysplasia 6 with or without polydactyly. Last evaluated: 2025-08-15. Review status: criteria provided, single submitter. Criteria: Invitae Variant Classification Sherloc (09022015). Collection method: clinical testing. Allele origin: germline.
Comment: This sequence change replaces proline, which is neutral and non-polar, with leucine, which is neutral and non-polar, at codon 318 of the NEK1 protein (p.Pro318Leu). This variant is present in population databases (rs745711143, gnomAD 0.009%). This variant has not been reported in the literature in individuals affected with NEK1-related conditions. ClinVar contains an entry for this variant (Variation ID: 2144237). Invitae Evidence Modeling of protein sequence and biophysical properties (such as structural, functional, and spatial information, amino acid conservation, physicochemical variation, residue mobility, and thermodynamic stability) indicates that this missense variant is not expected to disrupt NEK1 protein function with a negative predictive value of 95%. In summary, the available evidence is currently insufficient to determine the role of this variant in disease. Therefore, it has been classified as a Variant of Uncertain Significance.

NM_001199397.3(NEK1):c.953C>T (p.Pro318Leu)

Gene: NEK1 (NIMA related kinase 1; minus strand). Cytogenetic location: 4q33.
Variant type: single nucleotide variant.
Coding change: c.953C>T on transcript NM_001199397.3 (MANE Select); coding-DNA position 953, C replaced by T.
Protein change: p.Pro318Leu; replaces proline 318 with leucine.
Molecular consequence: missense variant. On other transcripts: non-coding transcript variant (2).
Genome position (GRCh38, 1-based): chr4:169,576,995, G>A on the plus strand (C>T on the coding strand, the complement: NEK1 is on the minus strand). VCF-style: chr4-169576995-G-A. GRCh37 (hg19) VCF-style: chr4-170498146-G-A.
Other names: c.953C>T, p.Pro318Leu (NM_001199398.3, NM_001199399.3, NM_001199400.3 and 7 more transcripts); short protein forms P318L.
Identifiers: ClinVar variation 2144237 (VCV002144237.4), dbSNP rs745711143, ClinGen allele CA3137899.